The following is an entry in ClinVar:

ClinVar aggregate classification (germline): Uncertain significance (1 of 4 stars; one submission).

Conditions:
CELSR1-related disorder. Also called: CELSR1-related condition.

Allele frequency attached by ClinVar (database versions not stated): gnomAD 0.00001; TOPMed 0.00002; ExAC 0.00004; gnomAD exomes 0.00005.

Submission:

PreventionGenetics, part of Exact Sciences
Classification: Uncertain significance for CELSR1-related condition. Last evaluated: 2023-03-17. Review status: criteria provided, single submitter. Criteria: ACMG Guidelines, 2015. Collection method: clinical testing. Allele origin: germline.
Comment: The CELSR1 c.5802C>T variant is not predicted to result in an amino acid change (p.=). This variant may create a cryptic splice site based on available splicing prediction programs (Alamut Visual Plus v1.6.1), however, such computer prediction programs are imperfect. To our knowledge, this variant has not been reported in the literature. This variant is reported in 0.013% of alleles in individuals of South Asian descent in gnomAD, including one homozygous individual, which may be too common to be causative of disease. While this variant may be benign, at this time, its clinical significance is uncertain due to the absence of conclusive functional and genetic evidence.

NM_001378328.1(CELSR1):c.5802C>T (p.Cys1934=)

Gene: CELSR1 (cadherin EGF LAG seven-pass G-type receptor 1; minus strand). Cytogenetic location: 22q13.31.
Variant type: single nucleotide variant.
Coding change: c.5802C>T on transcript NM_001378328.1 (MANE Select); coding-DNA position 5802, C replaced by T.
Protein change: p.Cys1934=; no amino-acid change (cysteine 1934 retained).
Molecular consequence: synonymous variant.
Genome position (GRCh38, 1-based): chr22:46,396,646, G>A on the plus strand (C>T on the coding strand, the complement: CELSR1 is on the minus strand). VCF-style: chr22-46396646-G-A. GRCh37 (hg19) VCF-style: chr22-46792543-G-A.
Other names: c.5802C>T, p.Cys1934= (NM_014246.4).
Identifiers: ClinVar variation 2636102 (VCV002636102.1), dbSNP rs775270009, ClinGen allele CA10294086.